The following is an entry in ClinVar:

ClinVar aggregate classification (germline): Pathogenic. Review status: criteria provided, multiple submitters, no conflicts (2 of 4 stars). 5 submissions from 5 submitters: Pathogenic (5). Last evaluated 2025-09-24.

Conditions:
Hereditary cancer-predisposing syndrome. Also called: Neoplastic Syndromes, Hereditary; Hereditary neoplastic syndrome; Tumor predisposition; Hereditary Cancer Syndrome. Identifiers: Orphanet 140162, MedGen C0027672, MeSH D009386, MONDO:0015356.
Peutz-Jeghers syndrome (PJS). Also called: POLYPOSIS, HAMARTOMATOUS INTESTINAL; POLYPS-AND-SPOTS SYNDROME; Peutz-Jeghers polyposis; Periorificial lentiginosis syndrome. Identifiers: Orphanet 2869, MedGen C0031269, MeSH D010580, MONDO:0008280, OMIM 175200.

Submissions (5):

Genesolutions, Medical Genetics Institutes, Ho Chi Minh City, Vietnam
Classification: Pathogenic for Peutz-Jeghers syndrome. Last evaluated: 2025-09-24. Review status: criteria provided, single submitter. Criteria: ACMG Guidelines, 2015. Collection method: clinical testing. Allele origin: germline. Affected: yes.

Ambry Genetics
Classification: Pathogenic for Hereditary cancer-predisposing syndrome. Last evaluated: 2025-05-07. Review status: criteria provided, single submitter. Criteria: Ambry Variant Classification Scheme 2023. Collection method: clinical testing. Allele origin: germline.
Comment: The p.Q112* pathogenic mutation (also known as c.334C>T), located in coding exon 2 of the STK11 gene, results from a C to T substitution at nucleotide position 334. This changes the amino acid from a glutamine to a stop codon within coding exon 2. This variant was reported in individual(s) with features consistent with Peutz-Jeghers syndrome; in at least one individual, it was determined to be de novo (Mehenni H et al. Dig Dis Sci, 2007 Aug;52:1924-33; Jelsig AM et al. Int J Colorectal Dis, 2016 May;31:997-1004; Li R et al. Oncol Lett, 2018 Jan;15:717-726; Zhao HM et al. J Pediatr Gastroenterol Nutr, 2019 Feb;68:199-206). This variant is considered to be rare based on population cohorts in the Genome Aggregation Database (gnomAD). In addition to the clinical data presented in the literature, this alteration is expected to result in loss of function by premature protein truncation or nonsense-mediated mRNA decay. As such, this alteration is interpreted as a disease-causing mutation.

Department of Clinical Genetics, Copenhagen University Hospital, Rigshospitalet
Classification: Pathogenic for Peutz-Jeghers syndrome. Last evaluated: 2025-01-10. Review status: criteria provided, single submitter. Criteria: ACMG Guidelines, 2015. Collection method: clinical testing. Allele origin: germline. Affected: yes.
Comment: The following ACMG criteria was used: PVS1; PM2_SUP; PS4_SUP

Labcorp Genetics (formerly Invitae), Labcorp
Classification: Pathogenic for Peutz-Jeghers syndrome. Last evaluated: 2024-04-15. Review status: criteria provided, single submitter. Criteria: Invitae Variant Classification Sherloc (09022015). Collection method: clinical testing. Allele origin: germline.
Comment: This sequence change creates a premature translational stop signal (p.Gln112*) in the STK11 gene. It is expected to result in an absent or disrupted protein product. Loss-of-function variants in STK11 are known to be pathogenic (PMID: 15188174, 16287113). This variant is not present in population databases (gnomAD no frequency). This premature translational stop signal has been observed in individual(s) with clinical features of Peutz-Jeghers syndrome (PMID: 17404884, 26979979, 30334930). ClinVar contains an entry for this variant (Variation ID: 1075653). For these reasons, this variant has been classified as Pathogenic.

Myriad Genetics, Inc.
Classification: Pathogenic for Peutz-Jeghers syndrome. Last evaluated: 2024-02-12. Review status: criteria provided, single submitter. Criteria: Myriad Autosomal Dominant, Autosomal Recessive and X-Linked Classification Criteria (2023). Collection method: clinical testing. Allele origin: unknown.
Comment: This variant is considered pathogenic. This variant creates a termination codon and is predicted to result in premature protein truncation.

Literature cited by the submitters: PubMed 17404884 (cited by Ambry Genetics and Labcorp Genetics (formerly Invitae), Labcorp); PubMed 26979979 (cited by Ambry Genetics and Labcorp Genetics (formerly Invitae), Labcorp); PubMed 29399144 (cited by Ambry Genetics); PubMed 30334930 (cited by Ambry Genetics and Labcorp Genetics (formerly Invitae), Labcorp); PubMed 37017260 (cited by Department of Clinical Genetics, Copenhagen University Hospital, Rigshospitalet); PubMed 15188174 (cited by Labcorp Genetics (formerly Invitae), Labcorp); PubMed 16287113 (cited by Labcorp Genetics (formerly Invitae), Labcorp).

NM_000455.5(STK11):c.334C>T (p.Gln112Ter)

Gene: STK11 (serine/threonine kinase 11; plus strand). Cytogenetic location: 19p13.3.
Variant type: single nucleotide variant.
Coding change: c.334C>T on transcript NM_000455.5 (MANE Select); coding-DNA position 334, C replaced by T.
Protein change: p.Gln112Ter; replaces glutamine 112 with a stop codon.
Molecular consequence: nonsense.
Genome position (GRCh38, 1-based): chr19:1,218,460, C>T. VCF-style: chr19-1218460-C-T. GRCh37 (hg19) VCF-style: chr19-1218459-C-T.
Other names: c.334C>T (NM_000455.4); short protein forms Q112*.
Identifiers: ClinVar variation 1075653 (VCV001075653.12), dbSNP rs771049807, ClinGen allele CA089331.